The following is an entry in ClinVar:

NM_001080414.4(CCDC88C):c.4668G>A (p.Leu1556=)

Gene: CCDC88C (coiled-coil and HOOK domain protein 88C; minus strand). Cytogenetic location: 14q32.11.
Variant type: single nucleotide variant.
Coding change: c.4668G>A on transcript NM_001080414.4 (MANE Select); coding-DNA position 4668, G replaced by A.
Protein change: p.Leu1556=; no amino-acid change (leucine 1556 retained).
Molecular consequence: synonymous variant.
Genome position (GRCh38, 1-based): chr14:91,281,488, C>T on the plus strand (G>A on the coding strand, the complement: CCDC88C is on the minus strand). VCF-style: chr14-91281488-C-T. GRCh37 (hg19) VCF-style: chr14-91747832-C-T.
Other names: p.Leu1556=.
Identifiers: ClinVar variation 447020 (VCV000447020.50), dbSNP rs139544500, ClinGen allele CA7308899.

ClinVar aggregate classification (germline): Benign/Likely benign. Review status: criteria provided, multiple submitters, no conflicts (2 of 4 stars). 6 submissions from 6 submitters: Benign (2); Likely benign (4). Last evaluated 2026-08-01.

Conditions:
Hydrocephalus, nonsyndromic, autosomal recessive 1 (HYC1). Also called: Hydrocephalus, nonsyndromic, autosomal recessive; Congenital hydrocephalus 1. Identifiers: Orphanet 2185, MedGen C3887608, MONDO:0009360, OMIM 236600.
Spinocerebellar ataxia type 40. Identifiers: Orphanet 423275, MedGen C4518336, MONDO:0014475, OMIM 616053.

Allele frequency attached by ClinVar (database versions not stated): ESP Exome Variant Server 0.00591; gnomAD exomes 0.00766 and 0.00563; 1000 Genomes Project 0.00399; 1000 Genomes Project 30x 0.00422; gnomAD 0.00483 and 0.00494; ExAC 0.00535; TOPMed 0.00578.
gnomAD v4.1: 11,950 of 1,613,946 alleles (0.74%); highest among the groups gnomAD compares: Non-Finnish European, 0.87%; 56 homozygotes.

Submissions (6):

CeGaT Center for Human Genetics Tuebingen
Classification: Likely benign. Last evaluated: 2026-08-01. Review status: criteria provided, single submitter. Criteria: CeGaT Center For Human Genetics Tuebingen Variant Classification Criteria Version 2. Collection method: clinical testing. Allele origin: germline. Affected: yes. Observed: 9 variant alleles.
Comment: CCDC88C: BP4, BP7, BS2

Labcorp Genetics (formerly Invitae), Labcorp
Classification: Benign. Last evaluated: 2026-02-02. Review status: criteria provided, single submitter. Criteria: Invitae Variant Classification Sherloc (09022015). Collection method: clinical testing. Allele origin: germline.

Mayo Clinic Laboratories, Mayo Clinic
Classification: Benign. Last evaluated: 2023-05-04. Review status: criteria provided, single submitter. Criteria: ACMG Guidelines, 2015. Collection method: clinical testing. Allele origin: germline. Observed: 6 variant alleles.
Comment: BA1, BS2, BP4, BP7

Fulgent Genetics
Classification: Likely benign for Hydrocephalus, nonsyndromic, autosomal recessive 1; Spinocerebellar ataxia type 40. Last evaluated: 2021-08-30. Review status: criteria provided, single submitter. Criteria: ACMG Guidelines, 2015. Collection method: clinical testing. Allele origin: unknown.

Athena Diagnostics
Classification: Likely benign. Last evaluated: 2016-10-03. Review status: criteria provided, single submitter. Criteria: Athena Diagnostics Criteria. Collection method: clinical testing. Allele origin: germline.

Breakthrough Genomics
Classification: Likely benign. Review status: criteria provided, single submitter. Criteria: ACMG Guidelines, 2015. Collection method: not provided. Allele origin: germline. Inheritance: Autosomal recessive inheritance. Affected: yes.